The following is an entry in ClinVar:

ClinVar aggregate classification (germline): Uncertain significance. Review status: criteria provided, multiple submitters, no conflicts (2 of 4 stars). 2 submissions from 2 submitters: Uncertain significance (2). Last evaluated 2024-09-04.

Allele frequency attached by ClinVar (database versions not stated): gnomAD 0.00001; ExAC 0.00002; TOPMed 0.00003; gnomAD exomes 0.00005.
gnomAD v4.1: 65 of 1,613,788 alleles (0.004%); highest among the groups gnomAD compares: Middle Eastern, 0.016%; no homozygotes.

Submissions (2):

Blueprint Genetics
Classification: Uncertain significance. Last evaluated: 2024-09-04. Review status: criteria provided, single submitter. Criteria: ACMG Guidelines, 2015. Collection method: clinical testing. Allele origin: germline.

Labcorp Genetics (formerly Invitae), Labcorp
Classification: Uncertain significance. Last evaluated: 2023-10-30. Review status: criteria provided, single submitter. Criteria: Invitae Variant Classification Sherloc (09022015). Collection method: clinical testing. Allele origin: germline.
Comment: This sequence change replaces isoleucine, which is neutral and non-polar, with threonine, which is neutral and polar, at codon 992 of the SLC24A1 protein (p.Ile992Thr). This variant is present in population databases (rs569544271, gnomAD 0.008%). This missense change has been observed in individual(s) with clinical features of SLC24A1-related conditions (PMID: 12037007). ClinVar contains an entry for this variant (Variation ID: 1003671). An algorithm developed to predict the effect of missense changes on protein structure and function (PolyPhen-2) suggests that this variant is likely to be disruptive. Experimental studies have shown that this missense change affects SLC24A1 function (PMID: 12037007). In summary, the available evidence is currently insufficient to determine the role of this variant in disease. Therefore, it has been classified as a Variant of Uncertain Significance.

Literature cited by the submitters: PubMed 12037007 (cited by Labcorp Genetics (formerly Invitae), Labcorp).

NM_004727.3(SLC24A1):c.2975T>C (p.Ile992Thr)

Gene: SLC24A1 (solute carrier family 24 member 1; plus strand). Cytogenetic location: 15q22.31.
Variant type: single nucleotide variant.
Coding change: c.2975T>C on transcript NM_004727.3 (MANE Select); coding-DNA position 2975, T replaced by C.
Protein change: p.Ile992Thr; replaces isoleucine 992 with threonine.
Molecular consequence: missense variant.
Genome position (GRCh38, 1-based): chr15:65,652,733, T>C. VCF-style: chr15-65652733-T-C. GRCh37 (hg19) VCF-style: chr15-65945071-T-C.
Other names: c.956T>C, p.Ile319Thr (NM_001254740.2); c.2885T>C, p.Ile962Thr (NM_001301031.1); c.2921T>C, p.Ile974Thr (NM_001301032.1, NM_001301033.2); short protein forms I319T, I962T, I974T, I992T.
Identifiers: ClinVar variation 1003671 (VCV001003671.5), dbSNP rs569544271, ClinGen allele CA7620286.